The following is an entry in ClinVar:

NM_000271.5(NPC1):c.3771A>G (p.Lys1257=)

Gene: NPC1 (NPC intracellular cholesterol transporter 1; minus strand). Cytogenetic location: 18q11.2.
Variant type: single nucleotide variant.
Coding change: c.3771A>G on transcript NM_000271.5 (MANE Select); coding-DNA position 3771, A replaced by G.
Protein change: p.Lys1257=; no amino-acid change (lysine 1257 retained).
Molecular consequence: synonymous variant.
Genome position (GRCh38, 1-based): chr18:23,532,268, T>C on the plus strand (A>G on the coding strand, the complement: NPC1 is on the minus strand). VCF-style: chr18-23532268-T-C. GRCh37 (hg19) VCF-style: chr18-21112232-T-C.
Identifiers: ClinVar variation 4991077 (VCV004991077.1).
Genomic context (GRCh38, chr18:23,532,268, plus strand): 5'-ATTTAGAAGCCGTTCGCGCTCTGTTCCTTTGTATCGCTCTTCAGTGGCACAACTTTTGGC[T>C]TTATTTACTGATGGCCCTATGAGAGAGAGAGACTTTTTCTTATTTCTGCAGGAGAAAGGG-3'
Protein context (NP_000262.2, residues 1247-1267): LLSYIGPSVN[Lys1257=]AKSCATEERY

ClinVar aggregate classification (germline): Likely benign (1 of 4 stars; one submission).

Conditions:
NPC1-related disorder. Also called: NPC1-related condition.

Submission:

PreventionGenetics, part of Exact Sciences
Classification: Likely benign for NPC1-related condition. Last evaluated: 2026-03-31. Review status: criteria provided, single submitter. Criteria: ACMG Guidelines, 2015. Collection method: clinical testing. Allele origin: germline.
Comment: This variant is classified as likely benign based on ACMG/AMP sequence variant interpretation guidelines (Richards et al. 2015 PMID: 25741868, with internal and published modifications).